The following is an entry in ClinVar:

ClinVar aggregate classification (germline): Uncertain significance (1 of 4 stars; one submission).

Conditions:
Familial sleep-related hypermotor epilepsy. Also called: Autosomal Dominant Sleep-Related Hypermotor (Hyperkinetic) Epilepsy. Identifiers: Orphanet 98784, MedGen C3696898, MONDO:0000030.

Submission:

Labcorp Genetics (formerly Invitae), Labcorp
Classification: Uncertain significance. Last evaluated: 2020-02-10. Review status: criteria provided, single submitter. Criteria: Invitae Variant Classification Sherloc (09022015). Collection method: clinical testing. Allele origin: germline.
Comment: This variant has not been reported in the literature in individuals with CHRNA2-related disease. Algorithms developed to predict the effect of missense changes on protein structure and function do not agree on the potential impact of this missense change (SIFT: "Deleterious"; PolyPhen-2: "Possibly Damaging"; Align-GVGD: "Class C15"). In summary, the available evidence is currently insufficient to determine the role of this variant in disease. Therefore, it has been classified as a Variant of Uncertain Significance. This sequence change replaces phenylalanine with isoleucine at codon 267 of the CHRNA2 protein (p.Phe267Ile). The phenylalanine residue is highly conserved and there is a small physicochemical difference between phenylalanine and isoleucine. This variant is not present in population databases (ExAC no frequency).

NM_000742.4(CHRNA2):c.799T>A (p.Phe267Ile)

Gene: CHRNA2 (cholinergic receptor nicotinic alpha 2 subunit; minus strand). Cytogenetic location: 8p21.2.
Variant type: single nucleotide variant.
Coding change: c.799T>A on transcript NM_000742.4 (MANE Select); coding-DNA position 799, T replaced by A.
Protein change: p.Phe267Ile; replaces phenylalanine 267 with isoleucine.
Molecular consequence: missense variant.
Genome position (GRCh38, 1-based): chr8:27,463,644, A>T on the plus strand (T>A on the coding strand, the complement: CHRNA2 is on the minus strand). VCF-style: chr8-27463644-A-T. GRCh37 (hg19) VCF-style: chr8-27321161-A-T.
Other names: c.754T>A, p.Phe252Ile (NM_001282455.2); c.322T>A, p.Phe108Ile (NM_001347705.2, NM_001347706.2); c.205T>A, p.Phe69Ile (NM_001347707.2, NM_001347708.2); short protein forms F267I, F69I, F252I, F108I.
Identifiers: ClinVar variation 543521 (VCV000543521.5), dbSNP rs1554514530, ClinGen allele CA370810677.